The following is an entry in ClinVar:

NC_000001.11:g.(?_17018881)_(17044898_?)del

Gene: SDHB (succinate dehydrogenase complex iron sulfur subunit B; minus strand). Cytogenetic location: 1p36.13.
Variant type: Deletion.
Identifiers: ClinVar variation 831498 (VCV000831498.2).

ClinVar aggregate classification (germline): Pathogenic (1 of 4 stars; one submission).

Conditions:
Pheochromocytoma/paraganglioma syndrome 4. Also called: CAROTID BODY TUMORS AND MULTIPLE EXTRAADRENAL PHEOCHROMOCYTOMAS; SDHB-Related Hereditary Paraganglioma-Pheochromocytoma Syndrome (Paragangliomas 4); SDHB-Related Hereditary Paraganglioma-Pheochromocytoma Syndrome; PARAGANGLIOMA, FAMILIAL MALIGNANT; PARAGANGLIOMAS, HEREDITARY EXTRAADRENAL; PHEOCHROMOCYTOMA, FAMILIAL EXTRAADRENAL. Identifiers: Orphanet 29072, MedGen C1861848, MONDO:0007273, OMIM 115310.
Gastrointestinal stromal tumor. Also called: Gastrointestinal stromal tumor, somatic; Gastrointestinal stroma tumor. Identifiers: Orphanet 44890, MedGen C0238198, MeSH D046152, MONDO:0011719, OMIM 606764, HP:0100723.
Pheochromocytoma. Also called: MAX-Related Hereditary Paraganglioma-Pheochromocytoma Syndrome. Identifiers: Orphanet 29072, MedGen C0031511, MONDO:0008233, OMIM 171300, HP:0002666.

Submission:

Labcorp Genetics (formerly Invitae), Labcorp
Classification: Pathogenic for Gastrointestinal stromal tumor; Pheochromocytoma/paraganglioma syndrome 4; Pheochromocytoma. Last evaluated: 2022-10-14. Review status: criteria provided, single submitter. Criteria: Invitae Variant Classification Sherloc (09022015). Collection method: clinical testing. Allele origin: germline.
Comment: This variant is a gross deletion of the genomic region encompassing exon(s) 2-8 of the SDHB gene, which includes the termination codon. This deletion extends beyond the assayed region for this gene and therefore may encompass additional genes. While this deletion is not anticipated to lead to nonsense mediated decay, it is expected to alter mRNA translation or result in a truncated protein product. This variant has not been reported in the literature in individuals affected with SDHB-related conditions. The region of the SDHB gene that includes exon(s) 7 has been determined to be clinically significant (PMID: 17652212, 19029228, 22517554, 24977658). Therefore, deletions that encompass that region are likely to be disease-causing. For these reasons, this variant has been classified as Pathogenic.

Literature cited by the submitters: PubMed 17652212; PubMed 19029228; PubMed 22517554; PubMed 24977658.